The following is an entry in ClinVar:

NM_000718.4(CACNA1B):c.1349G>A (p.Arg450His)

Gene: CACNA1B (calcium voltage-gated channel subunit alpha1 B; plus strand). Cytogenetic location: 9q34.3.
Variant type: single nucleotide variant.
Coding change: c.1349G>A on transcript NM_000718.4 (MANE Select); coding-DNA position 1349, G replaced by A.
Protein change: p.Arg450His; replaces arginine 450 with histidine.
Molecular consequence: missense variant.
Genome position (GRCh38, 1-based): chr9:137,971,398, G>A. VCF-style: chr9-137971398-G-A. GRCh37 (hg19) VCF-style: chr9-140865850-G-A.
Other names: c.1349G>A (NM_000718.3); c.1349G>A, p.Arg450His (NM_001243812.2); short protein forms R450H.
Identifiers: ClinVar variation 1987891 (VCV001987891.5), dbSNP rs751010507, ClinGen allele CA5376148.

ClinVar aggregate classification (germline): Uncertain significance. Review status: criteria provided, multiple submitters, no conflicts (2 of 4 stars). 2 submissions from 2 submitters: Uncertain significance (2). Last evaluated 2026-01-15.

Allele frequency attached by ClinVar (database versions not stated): ExAC 0.00001; TOPMed 0.00001.
gnomAD v4.1: 7 of 1,611,950 alleles (0.00043%); highest among the groups gnomAD compares: East Asian, 0.0022%; no homozygotes.

Submissions (2):

Labcorp Genetics (formerly Invitae), Labcorp
Classification: Uncertain significance. Last evaluated: 2026-01-15. Review status: criteria provided, single submitter. Criteria: Invitae Variant Classification Sherloc (09022015). Collection method: clinical testing. Allele origin: germline.
Comment: This sequence change replaces arginine, which is basic and polar, with histidine, which is basic and polar, at codon 450 of the CACNA1B protein (p.Arg450His). This variant is present in population databases (rs751010507, gnomAD 0.007%). This variant has not been reported in the literature in individuals affected with CACNA1B-related conditions. ClinVar contains an entry for this variant (Variation ID: 1987891). Invitae Evidence Modeling of protein sequence and biophysical properties (such as structural, functional, and spatial information, amino acid conservation, physicochemical variation, residue mobility, and thermodynamic stability) indicates that this missense variant is not expected to disrupt CACNA1B protein function with a negative predictive value of 80%. In summary, the available evidence is currently insufficient to determine the role of this variant in disease. Therefore, it has been classified as a Variant of Uncertain Significance.

Ambry Genetics
Classification: Uncertain significance. Last evaluated: 2024-12-31. Review status: criteria provided, single submitter. Criteria: Ambry Variant Classification Scheme 2023. Collection method: clinical testing. Allele origin: germline.